The following is an entry in ClinVar:

NM_001793.6(CDH3):c.1537A>T (p.Ile513Phe)

Gene: CDH3 (cadherin 3; plus strand). Cytogenetic location: 16q22.1.
Variant type: single nucleotide variant.
Coding change: c.1537A>T on transcript NM_001793.6 (MANE Select); coding-DNA position 1537, A replaced by T.
Protein change: p.Ile513Phe; replaces isoleucine 513 with phenylalanine.
Molecular consequence: missense variant.
Genome position (GRCh38, 1-based): chr16:68,685,317, A>T. VCF-style: chr16-68685317-A-T. GRCh37 (hg19) VCF-style: chr16-68719220-A-T.
Other names: c.1537A>T (NM_001793.4); c.1537A>T, p.Ile513Phe (NM_001317195.3); c.1372A>T, p.Ile458Phe (NM_001317196.2); short protein forms I458F, I513F.
Identifiers: ClinVar variation 1411436 (VCV001411436.7), dbSNP rs943935911, ClinGen allele CA283280957.

ClinVar aggregate classification (germline): Uncertain significance. Review status: criteria provided, multiple submitters, no conflicts (2 of 4 stars). 3 submissions from 3 submitters: Uncertain significance (3). Last evaluated 2024-02-07.

Allele frequency attached by ClinVar (database versions not stated): gnomAD 0.00001; TOPMed 0.00001.

Submissions (3):

Labcorp Genetics (formerly Invitae), Labcorp
Classification: Uncertain significance. Last evaluated: 2024-02-07. Review status: criteria provided, single submitter. Criteria: Invitae Variant Classification Sherloc (09022015). Collection method: clinical testing. Allele origin: germline.
Comment: This sequence change replaces isoleucine, which is neutral and non-polar, with phenylalanine, which is neutral and non-polar, at codon 513 of the CDH3 protein (p.Ile513Phe). This variant is not present in population databases (gnomAD no frequency). This variant has not been reported in the literature in individuals affected with CDH3-related conditions. ClinVar contains an entry for this variant (Variation ID: 1411436). Advanced modeling of protein sequence and biophysical properties (such as structural, functional, and spatial information, amino acid conservation, physicochemical variation, residue mobility, and thermodynamic stability) performed at Invitae indicates that this missense variant is not expected to disrupt CDH3 protein function with a negative predictive value of 80%. In summary, the available evidence is currently insufficient to determine the role of this variant in disease. Therefore, it has been classified as a Variant of Uncertain Significance.

GeneDx
Classification: Uncertain significance. Last evaluated: 2023-05-26. Review status: criteria provided, single submitter. Criteria: GeneDx Variant Classification Process June 2021. Collection method: clinical testing. Allele origin: germline. Affected: yes.
Comment: Not observed at significant frequency in large population cohorts (gnomAD); In silico analysis supports that this missense variant does not alter protein structure/function; Has not been previously published as pathogenic or benign to our knowledge

Blueprint Genetics
Classification: Uncertain significance. Last evaluated: 2018-08-22. Review status: criteria provided, single submitter. Criteria: ACMG Guidelines, 2015. Collection method: clinical testing. Allele origin: germline.